The following is an entry in ClinVar:

ClinVar aggregate classification (germline): Likely pathogenic (1 of 4 stars; one submission).

Conditions:
Marfan syndrome (MFS). Also called: Marfan syndrome, classic; MARFAN SYNDROME, TYPE I; Marfan syndrome type 1; Marfan's syndrome; FBN1-Related Marfan Syndrome. Identifiers: Orphanet 284963, Orphanet 558, MedGen C0024796, MONDO:0007947, OMIM 154700.

Submission:

Laboratorio de Genetica e Diagnostico Molecular, Hospital Israelita Albert Einstein
Classification: Likely pathogenic for Marfan syndrome. Last evaluated: 2021-04-09. Review status: criteria provided, single submitter. Criteria: ACMG Guidelines, 2015. Collection method: clinical testing. Allele origin: germline. Affected: yes.
Comment: ACMG classification criteria: PVS1, PM2

NM_000138.5(FBN1):c.2631del (p.Ser878fs)

Gene: FBN1 (fibrillin 1; minus strand). Cytogenetic location: 15q21.1.
Variant type: Deletion.
Coding change: c.2631del on transcript NM_000138.5 (MANE Select); coding-DNA position 2631, one base deleted (C; older notation c.2631delC).
Protein change: p.Ser878fs; shifts the reading frame from serine 878.
Molecular consequence: frameshift variant.
Genome position (GRCh38, 1-based): chr15:48,495,169, G deleted on the plus strand (C on the coding strand, the reverse complement: FBN1 is on the minus strand); the first of 2 consecutive G bases (chr15:48,495,169-48,495,170); deleting either gives the same sequence. VCF-style (leftmost placement, unchanged base first): chr15-48495168-AG-A. GRCh37 (hg19) VCF-style: chr15-48787365-AG-A.
Other names: c.2631delC (NM_000138.5); short protein forms S878fs.
Identifiers: ClinVar variation 1683734 (VCV001683734.2), dbSNP rs2141303607, ClinGen allele CA2573150803.